The following is an entry in ClinVar:

ClinVar aggregate classification (germline): Conflicting classifications of pathogenicity. Review status: criteria provided, conflicting classifications (1 of 4 stars). 2 submissions from 2 submitters: Uncertain significance (1); Likely benign (1). Last evaluated 2026-09-01.

Conditions:
Familial cold autoinflammatory syndrome 2 (FCAS2). Identifiers: Orphanet 247868, MedGen C2673198, MONDO:0012724, OMIM 611762.

Allele frequency attached by ClinVar (database versions not stated): gnomAD 0.00007 and 0.00011; TOPMed 0.00007; gnomAD exomes 0.00035.
gnomAD v4.1: 232 of 776,302 alleles (0.03%); highest among the groups gnomAD compares: East Asian, 0.46%; no homozygotes.

Submissions (2):

CeGaT Center for Human Genetics Tuebingen
Classification: Likely benign. Last evaluated: 2026-09-01. Review status: criteria provided, single submitter. Criteria: CeGaT Center For Human Genetics Tuebingen Variant Classification Criteria Version 2. Collection method: clinical testing. Allele origin: germline. Affected: yes. Observed: 1 variant allele.
Comment: NLRP12: BS1

Illumina Laboratory Services, Illumina
Classification: Uncertain significance for Familial cold autoinflammatory syndrome 2. Last evaluated: 2018-01-13. Review status: criteria provided, single submitter. Criteria: ICSL Variant Classification Criteria 13 December 2019. Collection method: clinical testing. Allele origin: germline.

NM_144687.4(NLRP12):c.*126G>C

Gene: NLRP12 (NLR family pyrin domain containing 12; minus strand). Cytogenetic location: 19q13.42.
Variant type: single nucleotide variant.
Coding change: c.*126G>C on transcript NM_144687.4 (MANE Select); 126 bases downstream of the stop codon, G replaced by C.
Molecular consequence: 3 prime UTR variant.
Genome position (GRCh38, 1-based): chr19:53,793,923, C>G on the plus strand (G>C on the coding strand, the complement: NLRP12 is on the minus strand). VCF-style: chr19-53793923-C-G. GRCh37 (hg19) VCF-style: chr19-54297177-C-G.
Other names: c.*126G>C (NM_001277126.2, NM_001277129.1).
Identifiers: ClinVar variation 329995 (VCV000329995.6), dbSNP rs199475872, ClinGen allele CA10643166.
Genomic context (GRCh38, chr19:53,793,923, plus strand): 5'-ACATGAGCCACCACGCCTGGCCAGCTCTGTCAAACATTAATTTGATCCCAAGCAGAGGGA[C>G]TTTTGATCTCAATCTGCATGAGTCTGTCTCTAGGAAGGAGGCTGATCATTATGCTGGGGG-3'